The following is an entry in ClinVar:

ClinVar aggregate classification (germline): Uncertain significance (1 of 4 stars; one submission).

Submissions (2):

GeneDx
Classification: Uncertain significance. Last evaluated: 2022-01-06. Review status: criteria provided, single submitter. Criteria: GeneDx Variant Classification Process June 2021. Collection method: clinical testing. Allele origin: germline. Affected: yes.
Comment: Not observed at significant frequency in large population cohorts (gnomAD); In silico analysis supports that this missense variant does not alter protein structure/function; Has not been previously published as pathogenic or benign to our knowledge

Dr. Peter K. Rogan Lab, Western University
No classification provided (evidence only). Condition: Thymoma. Review status: no classification provided. Collection method: in vitro. Allele origin: not applicable. Functional consequence: skipped exon. Not counted in ClinVar's aggregate classification.

NM_031407.7(HUWE1):c.9823A>G (p.Met3275Val)

Gene: HUWE1 (HECT, UBA and WWE domain containing E3 ubiquitin protein ligase 1; minus strand). Cytogenetic location: Xp11.22.
Variant type: single nucleotide variant.
Coding change: c.9823A>G on transcript NM_031407.7 (MANE Select); coding-DNA position 9823, A replaced by G.
Protein change: p.Met3275Val; replaces methionine 3275 with valine.
Molecular consequence: missense variant.
Genome position (GRCh38, 1-based): chrX:53,549,171, T>C on the plus strand (A>G on the coding strand, the complement: HUWE1 is on the minus strand). VCF-style: chrX-53549171-T-C. GRCh37 (hg19) VCF-style: chrX-53576132-T-C.
Other names: NC_000023.10:g.53576132T>C; short protein forms M3275V.
Identifiers: ClinVar variation 1695662 (VCV001695662.3), dbSNP rs2147248817, ClinGen allele CA413137380.